The following is an entry in ClinVar:

NM_001257291.2(SLC9A7):c.1638C>T (p.Ser546=)

Gene: SLC9A7 (solute carrier family 9 member A7; minus strand). Cytogenetic location: Xp11.3.
Variant type: single nucleotide variant.
Coding change: c.1638C>T on transcript NM_001257291.2 (MANE Select); coding-DNA position 1638, C replaced by T.
Protein change: p.Ser546=; no amino-acid change (serine 546 retained).
Molecular consequence: synonymous variant.
Genome position (GRCh38, 1-based): chrX:46,635,627, G>A on the plus strand (C>T on the coding strand, the complement: SLC9A7 is on the minus strand). VCF-style: chrX-46635627-G-A. GRCh37 (hg19) VCF-style: chrX-46495062-G-A.
Other names: c.1635C>T, p.Ser545= (NM_032591.3).
Identifiers: ClinVar variation 3771676 (VCV003771676.13).

ClinVar aggregate classification (germline): Likely benign (1 of 4 stars; one submission).

gnomAD v4.1: 7 of 1,208,612 alleles (0.00058%); highest among the groups gnomAD compares: Admixed American, 0.0022%; no homozygotes.

Submission:

CeGaT Center for Human Genetics Tuebingen
Classification: Likely benign. Last evaluated: 2025-01-01. Review status: criteria provided, single submitter. Criteria: CeGaT Center For Human Genetics Tuebingen Variant Classification Criteria Version 2. Collection method: clinical testing. Allele origin: germline. Affected: yes. Observed: 1 variant allele.
Comment: SLC9A7: BP4, BP7